The following is an entry in ClinVar:

ClinVar aggregate classification (germline): Uncertain significance. Review status: criteria provided, single submitter (1 of 4 stars). 2 submissions from 2 submitters: Uncertain significance (1). 1 of the submissions does not count toward it. Last evaluated 2025-11-10.

Allele frequency attached by ClinVar (database versions not stated): ESP Exome Variant Server 0.00015; gnomAD exomes 0.00001 and 0.00004; ExAC 0.00003; gnomAD 0.00010 and 0.00011; TOPMed 0.00012.
gnomAD v4.1: 23 of 1,614,054 alleles (0.0014%); highest among the groups gnomAD compares: African/African-American, 0.031%; no homozygotes.

Submissions (2):

Labcorp Genetics (formerly Invitae), Labcorp
Classification: Uncertain significance. Last evaluated: 2025-11-10. Review status: criteria provided, single submitter. Criteria: Invitae Variant Classification Sherloc (09022015). Collection method: clinical testing. Allele origin: germline.
Comment: This sequence change replaces valine, which is neutral and non-polar, with methionine, which is neutral and non-polar, at codon 728 of the ERCC3 protein (p.Val728Met). This variant is present in population databases (rs143140054, gnomAD 0.03%). This missense change has been observed in individual(s) with ERCC3-related conditions (PMID: 35534704). ClinVar contains an entry for this variant (Variation ID: 134121). Invitae Evidence Modeling of protein sequence and biophysical properties (such as structural, functional, and spatial information, amino acid conservation, physicochemical variation, residue mobility, and thermodynamic stability) indicates that this missense variant is not expected to disrupt ERCC3 protein function with a negative predictive value of 80%. In summary, the available evidence is currently insufficient to determine the role of this variant in disease. Therefore, it has been classified as a Variant of Uncertain Significance.

ITMI
No classification provided. Condition: AllHighlyPenetrant. Last evaluated: 2013-09-19. Review status: no classification provided. Collection method: reference population. Allele origin: germline. Not counted in ClinVar's aggregate classification.
Comment: Please see associated publication for description of ethnicities

Literature cited by the submitters: PubMed 35534704 (cited by Labcorp Genetics (formerly Invitae), Labcorp); PubMed 24728327 (cited by ITMI).

NM_000122.2(ERCC3):c.2182G>A (p.Val728Met)

Gene: ERCC3 (ERCC excision repair 3, TFIIH core complex helicase subunit; minus strand). Cytogenetic location: 2q14.3.
Variant type: single nucleotide variant.
Coding change: c.2182G>A on transcript NM_000122.2 (MANE Select); coding-DNA position 2182, G replaced by A.
Protein change: p.Val728Met; replaces valine 728 with methionine.
Molecular consequence: missense variant.
Genome position (GRCh38, 1-based): chr2:127,259,331, C>T on the plus strand (G>A on the coding strand, the complement: ERCC3 is on the minus strand). VCF-style: chr2-127259331-C-T. GRCh37 (hg19) VCF-style: chr2-128016907-C-T.
Other names: c.1990G>A, p.Val664Met (NM_001303416.2, NM_001303418.2); short protein forms V728M, V664M.
Identifiers: ClinVar variation 134121 (VCV000134121.2), dbSNP rs143140054, ClinGen allele CA158830.